The following is an entry in ClinVar:

ClinVar aggregate classification (germline): Pathogenic (1 of 4 stars; one submission).

Submission:

GeneDx
Classification: Pathogenic. Last evaluated: 2018-03-21. Review status: criteria provided, single submitter. Criteria: GeneDx Variant Classification (06012015). Collection method: clinical testing. Allele origin: germline. Affected: yes.
Comment: The c.11519dupT variant in the KMT2D gene has not been reported previously as a pathogenic variant nor as a benign variant, to our knowledge. The c.11519dupT variant causes a frameshift starting with codon Alanine 3841, changes this amino acid to a Glycine residue, and creates a premature Stop codon at position 171 of the new reading frame, denoted p.Ala3841GlyfsX171. This variant is predicted to cause loss of normal protein function either through protein truncation or nonsense-mediated mRNA decay. The c.11519dupT variant is not observed in large population cohorts (Lek et al., 2016). We interpret c.11519dupT as a pathogenic variant.

NM_003482.4(KMT2D):c.11519dup (p.Ala3841fs)

Gene: KMT2D (lysine methyltransferase 2D; minus strand). Cytogenetic location: 12q13.12.
Variant type: Duplication.
Coding change: c.11519dup on transcript NM_003482.4 (MANE Select); coding-DNA position 11519, one base duplicated (T; older notation c.11519dupT).
Protein change: p.Ala3841fs; shifts the reading frame from alanine 3841.
Molecular consequence: frameshift variant.
Genome position (GRCh38, 1-based): chr12:49,033,186, A duplicated on the plus strand (T on the coding strand, the reverse complement: KMT2D is on the minus strand). VCF-style (leftmost placement, unchanged base first): chr12-49033185-C-CA. GRCh37 (hg19) VCF-style: chr12-49426968-C-CA.
Other names: c.11519dupT (NM_003482.3); short protein forms A3841fs.
Identifiers: ClinVar variation 524044 (VCV000524044.2), dbSNP rs1555188651, ClinGen allele CA658797909.